The following is an entry in ClinVar:

NM_022436.3(ABCG5):c.791C>T (p.Ala264Val)

Genes: ABCG5 (ATP binding cassette subfamily G member 5; minus strand), DYNC2LI1 (dynein cytoplasmic 2 light intermediate chain 1; plus strand). Cytogenetic location: 2p21.
Variant type: single nucleotide variant.
Coding change: c.791C>T on transcript NM_022436.3 (MANE Select); coding-DNA position 791, C replaced by T.
Protein change: p.Ala264Val; replaces alanine 264 with valine.
Molecular consequence: missense variant. On other transcripts: intron variant (2).
Genome position (GRCh38, 1-based): chr2:43,825,002, G>A on the plus strand (C>T on the coding strand, the complement: ABCG5 is on the minus strand). VCF-style: chr2-43825002-G-A. GRCh37 (hg19) VCF-style: chr2-44052141-G-A.
Other names: c.*16-2384G>A (NM_001348913.2, NM_001348912.2); short protein forms A264V.
Identifiers: ClinVar variation 2449161 (VCV002449161.5), dbSNP rs768917242, ClinGen allele CA1636504.

ClinVar aggregate classification (germline): Uncertain significance. Review status: criteria provided, multiple submitters, no conflicts (2 of 4 stars). 2 submissions from 2 submitters: Uncertain significance (2). Last evaluated 2025-05-17.

Conditions:
Cardiovascular phenotype. Identifiers: MedGen CN230736.
Sitosterolemia 2. Identifiers: MedGen C5231453, MONDO:0020748, OMIM 618666.

Allele frequency attached by ClinVar (database versions not stated): gnomAD exomes 0.00001; TOPMed 0.00004; gnomAD 0.00002; ExAC 0.00008.
gnomAD v4.1: 21 of 1,613,550 alleles (0.0013%); highest among the groups gnomAD compares: Admixed American, 0.032%; no homozygotes.

Submissions (2):

Ambry Genetics
Classification: Uncertain significance for Cardiovascular phenotype. Last evaluated: 2025-05-17. Review status: criteria provided, single submitter. Criteria: Ambry Variant Classification Scheme 2023. Collection method: clinical testing. Allele origin: germline.
Comment: The p.A264V variant (also known as c.791C>T), located in coding exon 7 of the ABCG5 gene, results from a C to T substitution at nucleotide position 791. The alanine at codon 264 is replaced by valine, an amino acid with similar properties. This amino acid position is conserved. In addition, this alteration is predicted to be tolerated by in silico analysis. Since supporting evidence is limited at this time, the clinical significance of this alteration remains unclear.

Revvity Omics, Revvity
Classification: Uncertain significance for Sitosterolemia 2. Last evaluated: 2023-07-17. Review status: criteria provided, single submitter. Criteria: ACMG Guidelines, 2015. Collection method: clinical testing. Allele origin: germline.